The following is an entry in ClinVar:

NM_007294.4(BRCA1):c.796G>A (p.Val266Ile)

Gene: BRCA1 (BRCA1 DNA repair associated; minus strand). Cytogenetic location: 17q21.31.
Variant type: single nucleotide variant.
Coding change: c.796G>A on transcript NM_007294.4 (MANE Select); coding-DNA position 796, G replaced by A.
Protein change: p.Val266Ile; replaces valine 266 with isoleucine.
Molecular consequence: missense variant. On other transcripts: 5 prime UTR variant (2), intron variant (137).
Genome position (GRCh38, 1-based): chr17:43,094,735, C>T on the plus strand (G>A on the coding strand, the complement: BRCA1 is on the minus strand). VCF-style: chr17-43094735-C-T. GRCh37 (hg19) VCF-style: chr17-41246752-C-T.
Other names: c.583G>A, p.Val195Ile (NM_001407571.1, NM_001407853.1, NM_001407894.1 and 9 more transcripts); c.796G>A, p.Val266Ile (NM_001407581.1, NM_001407582.1, NM_001407583.1 and 30 more transcripts); c.793G>A, p.Val265Ile (NM_001407587.1, NM_001407590.1, NM_001407591.1 and 22 more transcripts); c.787G>A, p.Val263Ile (NM_001407646.1, NM_001407647.1); c.673G>A, p.Val225Ile (NM_001407648.1, NM_001407664.1, NM_001407665.1 and 19 more transcripts); c.670G>A, p.Val224Ile (NM_001407649.1, NM_001407670.1, NM_001407671.1 and 11 more transcripts); c.718G>A, p.Val240Ile (NM_001407653.1, NM_001407654.1, NM_001407655.1 and 4 more transcripts); c.715G>A, p.Val239Ile (NM_001407659.1, NM_001407660.1, NM_001407661.1 and 1 more transcripts); and 40 more; short protein forms V219I, V266I, V139I, V196I, V225I, V265I, V98I, V138I.
Identifiers: ClinVar variation 1473025 (VCV001473025.19), dbSNP rs2154492345, ClinGen allele CA10600490.
Genomic context (GRCh38, chr17:43,094,735, plus strand): 5'-CATGCTGTAATGAGCTGGCATGAGTATTTGTGCCACATGGCTCCACATGCAAGTTTGAAA[C>T]AGAACTACCCTGATACTTTTCTGGATGCCTCTCAGCTGCACGCTTCTCAGTGGTGTTCAA-3'
Protein context (NP_009225.1, residues 256-276): RHPEKYQGSS[Val266Ile]SNLHVEPCGT

ClinVar aggregate classification (germline): Conflicting classifications of pathogenicity. Review status: criteria provided, conflicting classifications (1 of 4 stars). 2 submissions from 2 submitters: Uncertain significance (1); Likely benign (1). Last evaluated 2023-03-23.

Conditions:
Hereditary cancer-predisposing syndrome. Also called: Neoplastic Syndromes, Hereditary; Hereditary Cancer Syndrome; Tumor predisposition; Hereditary neoplastic syndrome. Identifiers: Orphanet 140162, MedGen C0027672, MeSH D009386, MONDO:0015356.
Hereditary breast ovarian cancer syndrome. Also called: Breast and ovarian cancer; Hereditary breast and ovarian cancer; Hereditary breast and ovarian cancer syndrome; Hereditary breast and ovarian cancer syndrome (HBOC); BRCA1- and BRCA2-Associated Hereditary Breast and Ovarian Cancer; Hereditary breast and/or ovarian cancer syndrome. Identifiers: Orphanet 145, MedGen C0677776, MeSH D061325, MONDO:0003582. Disease mechanism: loss of function.

Submissions (2):

University of Washington Department of Laboratory Medicine, University of Washington
Classification: Likely benign for Hereditary cancer-predisposing syndrome. Last evaluated: 2023-03-23. Review status: criteria provided, single submitter. Criteria: Dines et al. (Genet Med. 2020). Collection method: curation. Allele origin: germline.
Comment: Missense variant in a coldspot region where missense variants are very unlikely to be pathogenic (PMID:31911673).

BRCA1 coldspot (exon 11 using historical exon numbering). Reclassification based on statistical prior probability

Labcorp Genetics (formerly Invitae), Labcorp
Classification: Uncertain significance for Hereditary breast ovarian cancer syndrome. Last evaluated: 2021-07-27. Review status: criteria provided, single submitter. Criteria: Invitae Variant Classification Sherloc (09022015). Collection method: clinical testing. Allele origin: germline.
Comment: In summary, the available evidence is currently insufficient to determine the role of this variant in disease. Therefore, it has been classified as a Variant of Uncertain Significance. Advanced modeling of protein sequence and biophysical properties (such as structural, functional, and spatial information, amino acid conservation, physicochemical variation, residue mobility, and thermodynamic stability) performed at Invitae indicates that this missense variant is not expected to disrupt BRCA1 protein function. This variant has not been reported in the literature in individuals affected with BRCA1-related conditions. This variant is not present in population databases (ExAC no frequency). This sequence change replaces valine with isoleucine at codon 266 of the BRCA1 protein (p.Val266Ile). The valine residue is moderately conserved and there is a small physicochemical difference between valine and isoleucine.